The following is an entry in ClinVar:

NM_001323329.2(MAPK8):c.1060+91T>G

Gene: MAPK8 (mitogen-activated protein kinase 8; plus strand). Cytogenetic location: 10q11.22.
Variant type: single nucleotide variant.
Coding change: c.1060+91T>G on transcript NM_001323329.2 (MANE Select); 91 bases into the intron after coding-DNA position 1060, T replaced by G.
Molecular consequence: intron variant.
Genome position (GRCh38, 1-based): chr10:48,427,234, T>G. VCF-style: chr10-48427234-T-G. GRCh37 (hg19) VCF-style: chr10-49635277-T-G.
Other names: c.1060+91T>G (NM_001323302.2, NM_139049.4, NM_139046.4 and 11 more transcripts); c.832+91T>G (NM_001278548.2, NM_001323320.2).
Identifiers: ClinVar variation 2688199 (VCV002688199.2), dbSNP rs3730161, ClinGen allele CA13153727.

ClinVar aggregate classification (germline): Benign (1 of 4 stars; one submission).

Allele frequency attached by ClinVar (database versions not stated): gnomAD 0.06178; TOPMed 0.06927; 1000 Genomes Project 30x 0.09557; 1000 Genomes Project 0.09565.
gnomAD v4.1: 55,490 of 857,448 alleles (6.5%); highest among the groups gnomAD compares: Admixed American, 25%; 3,474 homozygotes.

Submission:

Unidad de Genómica Garrahan, Hospital de Pediatría Garrahan
Classification: Benign. Last evaluated: 2024-01-24. Review status: criteria provided, single submitter. Criteria: ACMG Guidelines, 2015. Collection method: clinical testing. Allele origin: germline. Affected: no. Observed: 34 variant alleles.
Comment: This variant is classified as Benign based on local population frequency. This variant was detected in 36% of patients studied by a panel of primary immunodeficiencies. Number of patients: 34. Only high quality variants are reported.